The following is an entry in ClinVar:

NM_018089.3(ANKZF1):c.2056C>T (p.Arg686Ter)

Gene: ANKZF1 (ankyrin repeat and zinc finger peptidyl tRNA hydrolase 1; plus strand). Cytogenetic location: 2q35.
Variant type: single nucleotide variant.
Coding change: c.2056C>T on transcript NM_018089.3 (MANE Select); coding-DNA position 2056, C replaced by T.
Protein change: p.Arg686Ter; replaces arginine 686 with a stop codon.
Molecular consequence: nonsense.
Genome position (GRCh38, 1-based): chr2:219,236,094, C>T. VCF-style: chr2-219236094-C-T. GRCh37 (hg19) VCF-style: chr2-220100816-C-T.
Other names: c.2056C>T, p.Arg686Ter (NM_001042410.2); c.1426C>T, p.Arg476Ter (NM_001282792.2); short protein forms R686*, R476*.
Identifiers: ClinVar variation 1443496 (VCV001443496.8), dbSNP rs369561192, ClinGen allele CA2121288.

ClinVar aggregate classification (germline): Uncertain significance (1 of 4 stars; one submission).

Allele frequency attached by ClinVar (database versions not stated): gnomAD exomes 0.00002 and 0.00005; ExAC 0.00004; gnomAD 0.00004 and 0.00005; ESP Exome Variant Server 0.00008; TOPMed 0.00009.
gnomAD v4.1: 30 of 1,614,144 alleles (0.0019%); highest among the groups gnomAD compares: Admixed American, 0.022%; no homozygotes.

Submission:

Labcorp Genetics (formerly Invitae), Labcorp
Classification: Uncertain significance. Last evaluated: 2025-12-11. Review status: criteria provided, single submitter. Criteria: Invitae Variant Classification Sherloc (09022015). Collection method: clinical testing. Allele origin: germline.
Comment: This sequence change creates a premature translational stop signal (p.Arg686*) in the ANKZF1 gene. While this is not anticipated to result in nonsense mediated decay, it is expected to disrupt the last 41 amino acid(s) of the ANKZF1 protein. This variant is present in population databases (rs369561192, gnomAD 0.03%). This variant has not been reported in the literature in individuals affected with ANKZF1-related conditions. ClinVar contains an entry for this variant (Variation ID: 1443496). In summary, the available evidence is currently insufficient to determine the role of this variant in disease. Therefore, it has been classified as a Variant of Uncertain Significance.